The following is an entry in ClinVar:

ClinVar aggregate classification (germline): Uncertain significance. Review status: criteria provided, multiple submitters, no conflicts (2 of 4 stars). 2 submissions from 2 submitters: Uncertain significance (2). Last evaluated 2025-08-21.

Conditions:
GNE myopathy (NM). Also called: INCLUSION BODY MYOPATHY 2, AUTOSOMAL RECESSIVE; INCLUSION BODY MYOPATHY, HEREDITARY, AUTOSOMAL RECESSIVE; IBM 2; Inclusion body myopathy autosomal recessive; Inclusion body myopathy quadriceps sparing; NONAKA DISTAL MYOPATHY. Identifiers: Orphanet 602, MedGen C1853926, MONDO:0011603, OMIM 605820.
Sialuria. Also called: SIALURIA, FRENCH TYPE; Sialic Acid Storage Disease. Identifiers: Orphanet 3166, MedGen C0342853, MONDO:0010028, OMIM 269921.

Submissions (2):

Labcorp Genetics (formerly Invitae), Labcorp
Classification: Uncertain significance for Sialuria; GNE myopathy. Last evaluated: 2025-08-21. Review status: criteria provided, single submitter. Criteria: Invitae Variant Classification Sherloc (09022015). Collection method: clinical testing. Allele origin: germline.
Comment: This sequence change replaces lysine, which is basic and polar, with asparagine, which is neutral and polar, at codon 417 of the GNE protein (p.Lys417Asn). This variant is not present in population databases (gnomAD no frequency). This variant has not been reported in the literature in individuals affected with GNE-related conditions. ClinVar contains an entry for this variant (Variation ID: 1039080). Invitae Evidence Modeling of protein sequence and biophysical properties (such as structural, functional, and spatial information, amino acid conservation, physicochemical variation, residue mobility, and thermodynamic stability) has been performed for this missense variant. However, the output from this modeling did not meet the statistical confidence thresholds required to predict the impact of this variant on GNE protein function. In summary, the available evidence is currently insufficient to determine the role of this variant in disease. Therefore, it has been classified as a Variant of Uncertain Significance.

Revvity Omics, Revvity
Classification: Uncertain significance. Last evaluated: 2020-08-10. Review status: criteria provided, single submitter. Criteria: ACMG Guidelines, 2015. Collection method: clinical testing. Allele origin: germline.

NM_005476.7(GNE):c.1158A>T (p.Lys386Asn)

Gene: GNE (glucosamine (UDP-N-acetyl)-2-epimerase/N-acetylmannosamine kinase; minus strand). Cytogenetic location: 9p13.3.
Variant type: single nucleotide variant.
Coding change: c.1158A>T on transcript NM_005476.7 (MANE Select); coding-DNA position 1158, A replaced by T.
Protein change: p.Lys386Asn; replaces lysine 386 with asparagine.
Molecular consequence: missense variant.
Genome position (GRCh38, 1-based): chr9:36,227,371, T>A on the plus strand (A>T on the coding strand, the complement: GNE is on the minus strand). VCF-style: chr9-36227371-T-A. GRCh37 (hg19) VCF-style: chr9-36227368-T-A.
Other names: c.1251A>T, p.Lys417Asn (NM_001128227.3); c.1158A>T, p.Lys386Asn (NM_001190383.3); c.828A>T, p.Lys276Asn (NM_001190384.3); c.981A>T, p.Lys327Asn (NM_001190388.2, NM_001374798.1); c.1005A>T, p.Lys335Asn (NM_001374797.1); c.1251A>T (NM_001128227.2); short protein forms K276N, K386N, K417N, K335N, K327N.
Identifiers: ClinVar variation 1039080 (VCV001039080.11), dbSNP rs1828920194, ClinGen allele CA373428907.